The following is an entry in ClinVar:

ClinVar aggregate classification (germline): Uncertain significance (1 of 4 stars; one submission).

Allele frequency attached by ClinVar (database versions not stated): gnomAD exomes below 0.00001.
gnomAD v4.1: 3 of 1,614,058 alleles (0.00019%); highest among the groups gnomAD compares: Non-Finnish European, 0.00017%; no homozygotes.

Submission:

Labcorp Genetics (formerly Invitae), Labcorp
Classification: Uncertain significance. Last evaluated: 2021-08-09. Review status: criteria provided, single submitter. Criteria: Invitae Variant Classification Sherloc (09022015). Collection method: clinical testing. Allele origin: germline.
Comment: This sequence change creates a premature translational stop signal (p.Gln311*) in the OPN1SW gene. While this is not anticipated to result in nonsense mediated decay, it is expected to disrupt the last 38 amino acid(s) of the OPN1SW protein. This variant is not present in population databases (ExAC no frequency). This variant has not been reported in the literature in individuals affected with OPN1SW-related conditions. Experimental studies and prediction algorithms are not available or were not evaluated, and the functional significance of this variant is currently unknown. In summary, the available evidence is currently insufficient to determine the role of this variant in disease. Therefore, it has been classified as a Variant of Uncertain Significance.

NM_001385125.1(OPN1SW):c.922C>T (p.Gln308Ter)

Genes: CALU (calumenin; plus strand), OPN1SW (opsin 1, short wave sensitive; minus strand). Cytogenetic location: 7q32.1.
Variant type: single nucleotide variant.
Coding change: c.922C>T on transcript NM_001385125.1 (MANE Select); coding-DNA position 922, C replaced by T.
Protein change: p.Gln308Ter; replaces glutamine 308 with a stop codon.
Molecular consequence: nonsense. On other transcripts: 3 prime UTR variant (5), non-coding transcript variant (1).
Genome position (GRCh38, 1-based): chr7:128,772,656, G>A on the plus strand (C>T on the coding strand, the complement: OPN1SW is on the minus strand). VCF-style: chr7-128772656-G-A. GRCh37 (hg19) VCF-style: chr7-128412710-G-A.
Other names: c.*3489G>A (NM_001130674.3, NM_001199671.2, NM_001199672.2 and 1 more transcripts); c.*3562G>A (NM_001199673.2); short protein forms Q308*.
Identifiers: ClinVar variation 1373650 (VCV001373650.6), dbSNP rs200091747, ClinGen allele CA166210014.